The following is an entry in ClinVar:

NM_005045.4(RELN):c.9319C>G (p.Leu3107Val)

Genes: RELN (reelin; minus strand), SLC26A5-AS1 (SLC26A5 antisense RNA 1; plus strand). Cytogenetic location: 7q22.1.
Variant type: single nucleotide variant.
Coding change: c.9319C>G on transcript NM_005045.4 (MANE Select); coding-DNA position 9319, C replaced by G.
Protein change: p.Leu3107Val; replaces leucine 3107 with valine.
Molecular consequence: missense variant.
Genome position (GRCh38, 1-based): chr7:103,495,773, G>C on the plus strand (C>G on the coding strand, the complement: RELN is on the minus strand). VCF-style: chr7-103495773-G-C. GRCh37 (hg19) VCF-style: chr7-103136220-G-C.
Other names: c.9319C>G, p.Leu3107Val (NM_173054.3); short protein forms L3107V.
Identifiers: ClinVar variation 1425337 (VCV001425337.8), dbSNP rs764063544, ClinGen allele CA4420252.
Genomic context (GRCh38, chr7:103,495,773, plus strand): 5'-TTTTCCTTACTTTAAACTGCATCATGTATCCTGGCTGTATAATGAGTTCTCGGGAGGAGA[G>C]AGCATTGTGAGTCTTGTCCTTCTTTTTATTTGGCCAATAGAGGTGAAAGGATGGATTGCC-3'
Protein context (NP_005036.2, residues 3097-3117): NKKKDKTHNA[Leu3107Val]SSRELIIQPG

ClinVar aggregate classification (germline): Uncertain significance (1 of 4 stars; one submission).

Conditions:
Norman-Roberts syndrome (LIS2). Also called: Lissencephaly 2 (Norman-Roberts type). Identifiers: Orphanet 89844, MedGen C0796089, MONDO:0009760, OMIM 257320.
Familial temporal lobe epilepsy 7. Identifiers: Orphanet 101046, MedGen C4225327, MONDO:0014639, OMIM 616436.

Allele frequency attached by ClinVar (database versions not stated): gnomAD exomes below 0.00001; ExAC 0.00001.

Submission:

Labcorp Genetics (formerly Invitae), Labcorp
Classification: Uncertain significance for Familial temporal lobe epilepsy 7; Norman-Roberts syndrome. Last evaluated: 2020-12-03. Review status: criteria provided, single submitter. Criteria: Invitae Variant Classification Sherloc (09022015). Collection method: clinical testing. Allele origin: germline.
Comment: Algorithms developed to predict the effect of missense changes on protein structure and function are either unavailable or do not agree on the potential impact of this missense change (SIFT: "Deleterious"; PolyPhen-2: "Benign"; Align-GVGD: "Class C0"). In summary, the available evidence is currently insufficient to determine the role of this variant in disease. Therefore, it has been classified as a Variant of Uncertain Significance. This variant has not been reported in the literature in individuals with RELN-related conditions. This sequence change replaces leucine with valine at codon 3107 of the RELN protein (p.Leu3107Val). The leucine residue is highly conserved and there is a small physicochemical difference between leucine and valine. This variant is present in population databases (rs764063544, ExAC 0.006%).